The following is an entry in ClinVar:

NM_001382430.1(AKT1):c.567+9G>A

Gene: AKT1 (AKT serine/threonine kinase 1; minus strand). Cytogenetic location: 14q32.33.
Variant type: single nucleotide variant.
Coding change: c.567+9G>A on transcript NM_001382430.1 (MANE Select); 9 bases into the intron after coding-DNA position 567, G replaced by A.
Molecular consequence: intron variant.
Genome position (GRCh38, 1-based): chr14:104,775,067, C>T on the plus strand (G>A on the coding strand, the complement: AKT1 is on the minus strand). VCF-style: chr14-104775067-C-T. GRCh37 (hg19) VCF-style: chr14-105241404-C-T.
Other names: c.567+9G>A (NM_001014431.2, NM_001014432.2, NM_001382433.1 and 3 more transcripts).
Identifiers: ClinVar variation 699889 (VCV000699889.14), dbSNP rs200724383, ClinGen allele CA7374754.

ClinVar aggregate classification (germline): Likely benign. Review status: criteria provided, multiple submitters, no conflicts (2 of 4 stars). 3 submissions from 3 submitters: Likely benign (2). 1 of the submissions does not count toward it. Last evaluated 2023-11-10.

Conditions:
AKT1-related disorder. Also called: AKT1-related condition.
Cowden syndrome 6 (CWS6). Identifiers: Orphanet 201, MedGen C3554519, MONDO:0014048, OMIM 615109.

Allele frequency attached by ClinVar (database versions not stated): gnomAD 0.00001; gnomAD exomes 0.00001 and 0.00002; TOPMed 0.00001; ExAC 0.00002; 1000 Genomes Project 0.00020; 1000 Genomes Project 30x 0.00031.

Submissions (3):

Blueprint Genetics
Classification: Likely benign. Last evaluated: 2023-11-10. Review status: criteria provided, single submitter. Criteria: ACMG Guidelines, 2015. Collection method: clinical testing. Allele origin: germline.

Labcorp Genetics (formerly Invitae), Labcorp
Classification: Likely benign for Cowden syndrome 6. Last evaluated: 2023-08-24. Review status: criteria provided, single submitter. Criteria: Invitae Variant Classification Sherloc (09022015). Collection method: clinical testing. Allele origin: germline.

PreventionGenetics, part of Exact Sciences
Classification: Likely benign for AKT1-related condition. Last evaluated: 2019-10-28. Review status: no assertion criteria provided. Collection method: clinical testing. Allele origin: germline. Not counted in ClinVar's aggregate classification.
Comment: This variant is classified as likely benign based on ACMG/AMP sequence variant interpretation guidelines (Richards et al. 2015 PMID: 25741868, with internal and published modifications).